The following is an entry in ClinVar:

ClinVar aggregate classification (germline): Uncertain significance (1 of 4 stars; one submission).

Conditions:
TTN-related disorder. Also called: TTN-related disorders; TTN-related condition; TTN-related disease.

gnomAD v4.1: 2 of 1,612,800 alleles (0.00012%); highest among the groups gnomAD compares: Non-Finnish European, 0.00017%; no homozygotes.

Submission:

PreventionGenetics, part of Exact Sciences
Classification: Uncertain significance for TTN-related condition. Last evaluated: 2026-08-13. Review status: criteria provided, single submitter. Criteria: ACMG Guidelines, 2015. Collection method: clinical testing. Allele origin: germline.
Comment: The TTN c.25744T>G variant is predicted to result in the amino acid substitution p.Leu8582Val. To our knowledge, this variant has not been reported in the literature. This variant is reported in 0.0016% of alleles in individuals of European (Non-Finnish) descent in gnomAD. At this time, the clinical significance of this variant is uncertain due to the absence of conclusive functional and genetic evidence.

NM_001267550.2(TTN):c.25744T>G (p.Leu8582Val)

Gene: TTN (titin; minus strand). Cytogenetic location: 2q31.2.
Variant type: single nucleotide variant.
Coding change: c.25744T>G on transcript NM_001267550.2 (MANE Select); coding-DNA position 25744, T replaced by G.
Protein change: p.Leu8582Val; replaces leucine 8582 with valine.
Molecular consequence: missense variant. On other transcripts: intron variant (3).
Genome position (GRCh38, 1-based): chr2:178,715,670, A>C on the plus strand (T>G on the coding strand, the complement: TTN is on the minus strand). VCF-style: chr2-178715670-A-C. GRCh37 (hg19) VCF-style: chr2-179580397-A-C.
Other names: c.24793T>G, p.Leu8265Val (NM_001256850.1); c.22012T>G, p.Leu7338Val (NM_133378.4); c.13282+22412T>G (NM_003319.4); c.13858+22412T>G (NM_133437.4); c.13657+22412T>G (NM_133432.3); short protein forms L7338V, L8265V, L8582V.
Identifiers: ClinVar variation 4985200 (VCV004985200.1).
Genomic context (GRCh38, chr2:178,715,670, plus strand): 5'-CAACGAATGACATTCTGAATTTACTGCTCTCTTGAATTTCAGTCTCGTCCTTATACCATA[A>C]AACTTTGATTTCTGGAGACCCACCGATTTTGCATTCATACCTTGTGAATTCATCCTGTTT-3'
Protein context (NP_001254479.2, residues 8572-8592): KIGGSPEIKV[Leu8582Val]WYKDETEIQE